The following is an entry in ClinVar:

ClinVar aggregate classification (germline): Uncertain significance. Review status: criteria provided, multiple submitters, no conflicts (2 of 4 stars). 2 submissions from 2 submitters: Uncertain significance (2). Last evaluated 2026-05-19.

Conditions:
Cardiovascular phenotype. Identifiers: MedGen CN230736.
Familial hypercholesterolemia. Also called: Familial hypercholesterolaemia; Familial hypercholesterolemias. Identifiers: MedGen C0020445, MONDO:0005439.

Allele frequency attached by ClinVar (database versions not stated): gnomAD exomes below 0.00001.
gnomAD v4.1: 1 of 1,614,030 alleles (0.000062%); highest among the groups gnomAD compares: Middle Eastern, 0.017%; no homozygotes.

Submissions (2):

Genetics Laboratory, Great Ormond Street Hospital NHS Foundation Trust, North Thames Genomic Laboratory Hub
Classification: Uncertain significance for Familial hypercholesterolaemia. Last evaluated: 2026-05-19. Review status: criteria provided, single submitter. Criteria: ACGS Best Practice Guidelines for Variant Classification in Rare Disease 2024 v1.2. Collection method: clinical testing. Allele origin: germline. Affected: yes.
Comment: PM2_moderate, PM1_moderate

Ambry Genetics
Classification: Uncertain significance for Cardiovascular phenotype. Last evaluated: 2024-02-17. Review status: criteria provided, single submitter. Criteria: Ambry Variant Classification Scheme 2023. Collection method: clinical testing. Allele origin: germline.
Comment: The p.R3183G variant (also known as c.9547A>G), located in coding exon 26 of the APOB gene, results from an A to G substitution at nucleotide position 9547. The arginine at codon 3183 is replaced by glycine, an amino acid with dissimilar properties. This amino acid position is poorly conserved in available vertebrate species. In addition, this alteration is predicted to be tolerated by in silico analysis. Since supporting evidence is limited at this time, the clinical significance of this alteration remains unclear.

NM_000384.3(APOB):c.9547A>G (p.Arg3183Gly)

Gene: APOB (apolipoprotein B; minus strand). Cytogenetic location: 2p24.1.
Variant type: single nucleotide variant.
Coding change: c.9547A>G on transcript NM_000384.3 (MANE Select); coding-DNA position 9547, A replaced by G.
Protein change: p.Arg3183Gly; replaces arginine 3183 with glycine.
Molecular consequence: missense variant.
Genome position (GRCh38, 1-based): chr2:21,007,321, T>C on the plus strand (A>G on the coding strand, the complement: APOB is on the minus strand). VCF-style: chr2-21007321-T-C. GRCh37 (hg19) VCF-style: chr2-21230193-T-C.
Other names: short protein forms R3183G.
Identifiers: ClinVar variation 1767320 (VCV001767320.3), dbSNP rs2465362731, ClinGen allele CA345989523.
Genomic context (GRCh38, chr2:21,007,321, plus strand): 5'-ATTTGATGCTCTGACTGATAAACTCACAAAGCACAGCCAAAGGATTTGTGATGGAATGCC[T>C]GTGTTTGTTTTTCTTATACTGAGCTTTTACACTTAAATCAAATGATTGCTTTGTCGTTTT-3'
Protein context (NP_000375.3, residues 3173-3193): VKAQYKKNKH[Arg3183Gly]HSITNPLAVL